The following is an entry in ClinVar:

ClinVar aggregate classification (germline): Uncertain significance (1 of 4 stars; one submission).

Conditions:
Citrullinemia. Identifiers: Orphanet 187, MedGen C0175683, MONDO:0015991.

Submission:

Labcorp Genetics (formerly Invitae), Labcorp
Classification: Uncertain significance for Citrullinemia. Last evaluated: 2022-09-19. Review status: criteria provided, single submitter. Criteria: Invitae Variant Classification Sherloc (09022015). Collection method: clinical testing. Allele origin: germline.
Comment: In summary, the available evidence is currently insufficient to determine the role of this variant in disease. Therefore, it has been classified as a Variant of Uncertain Significance. Variants that disrupt the consensus splice site are a relatively common cause of aberrant splicing (PMID: 17576681, 9536098). Algorithms developed to predict the effect of sequence changes on RNA splicing suggest that this variant may disrupt the consensus splice site. This variant is also known as IVS11+ 2insT. This variant has been observed in individual(s) with citrullinemia (PMID: 16475226). This variant is not present in population databases (gnomAD no frequency). This sequence change falls in intron 11 of the ASS1 gene. It does not directly change the encoded amino acid sequence of the ASS1 protein. It affects a nucleotide within the consensus splice site.

Literature cited by the submitters: PubMed 17576681; PubMed 9536098; PubMed 16475226.

NM_054012.4(ASS1):c.773+2dup

Gene: ASS1 (argininosuccinate synthase 1; plus strand). Cytogenetic location: 9q34.11.
Variant type: Duplication.
Coding change: c.773+2dup on transcript NM_054012.4 (MANE Select); the canonical splice donor site of the intron after coding-DNA position 773, one base duplicated (T; older notation c.773+2dupT).
Molecular consequence: splice donor variant.
Genome position (GRCh38, 1-based): chr9:130,479,802, T duplicated. VCF-style (leftmost placement, unchanged base first): chr9-130479801-G-GT. GRCh37 (hg19) VCF-style: chr9-133355188-G-GT.
Other names: c.773+2dup (NM_000050.4).
Identifiers: ClinVar variation 2136824 (VCV002136824.2), dbSNP rs2490590143, ClinGen allele CA2580079822.
Genomic context (GRCh38, chr9:130,479,801, plus strand): 5'-CAAGGATGGCACCACCCACCAGACCTCCTTGGAGCTCTTCATGTACCTGAACGAAGTCGC[G>GT]TGAGTGTCTGCAGCCCTGTCCGGCCTCTTGGGAACCGCCGTCTCGGGCGAGCACGAGCCT-3'